The following is an entry in ClinVar:

ClinVar aggregate classification (germline): Uncertain significance (1 of 4 stars; one submission).

gnomAD v4.1: 34 of 1,613,870 alleles (0.0021%); highest among the groups gnomAD compares: Non-Finnish European, 0.0027%; no homozygotes.

Submission:

GeneDx
Classification: Uncertain significance. Last evaluated: 2025-07-16. Review status: criteria provided, single submitter. Criteria: GeneDx Variant Classification Process June 2021. Collection method: clinical testing. Allele origin: germline. Affected: yes.
Comment: Not observed at significant frequency in large population cohorts (gnomAD); In silico analysis supports that this missense variant has a deleterious effect on protein structure/function; Has not been previously published as pathogenic or benign to our knowledge

NM_004667.6(HERC2):c.9938G>A (p.Arg3313His)

Gene: HERC2 (HECT and RLD domain containing E3 ubiquitin protein ligase 2; minus strand). Cytogenetic location: 15q13.1.
Variant type: single nucleotide variant.
Coding change: c.9938G>A on transcript NM_004667.6 (MANE Select); coding-DNA position 9938, G replaced by A.
Protein change: p.Arg3313His; replaces arginine 3313 with histidine.
Molecular consequence: missense variant.
Genome position (GRCh38, 1-based): chr15:28,174,514, C>T on the plus strand (G>A on the coding strand, the complement: HERC2 is on the minus strand). VCF-style: chr15-28174514-C-T. GRCh37 (hg19) VCF-style: chr15-28419660-C-T.
Other names: short protein forms R3313H.
Identifiers: ClinVar variation 4686211 (VCV004686211.1).